The following is an entry in ClinVar:

ClinVar aggregate classification (germline): Likely benign (1 of 4 stars; one submission).

Conditions:
Autosomal dominant pseudohypoaldosteronism type 1. Also called: Pseudohypoaldosteronism, Type I, Dominant; Pseudohypoaldosteronism, Type I, Autosomal Dominant; PHA I, AUTOSOMAL DOMINANT. Identifiers: Orphanet 171871, Orphanet 756, MedGen C1449842, MONDO:0008329, OMIM 177735.

Allele frequency attached by ClinVar (database versions not stated): gnomAD below 0.00001 and 0.00003; gnomAD exomes 0.00003 and 0.00004; ExAC 0.00005.

Submission:

Illumina Laboratory Services, Illumina
Classification: Likely benign for Autosomal dominant pseudohypoaldosteronism type 1. Last evaluated: 2018-01-13. Review status: criteria provided, single submitter. Criteria: ICSL Variant Classification Criteria 13 December 2019. Collection method: clinical testing. Allele origin: germline.
Comment: This variant was observed in the ICSL laboratory as part of a predisposition screen in an ostensibly healthy population. It had not been previously curated by ICSL or reported in the Human Gene Mutation Database (HGMD: prior to June 1st, 2018), and was therefore a candidate for classification through an automated scoring system. Utilizing variant allele frequency, disease prevalence and penetrance estimates, and inheritance mode, an automated score was calculated to assess if this variant is too frequent to cause the disease. Based on the score and internal cut-off values, a variant classified as likely benign is not then subjected to further curation. The score for this variant resulted in a classification of likely benign for this disease.

NM_000901.5(NR3C2):c.1055C>A (p.Ser352Tyr)

Gene: NR3C2 (nuclear receptor subfamily 3 group C member 2; minus strand). Cytogenetic location: 4q31.23.
Variant type: single nucleotide variant.
Coding change: c.1055C>A on transcript NM_000901.5 (MANE Select); coding-DNA position 1055, C replaced by A.
Protein change: p.Ser352Tyr; replaces serine 352 with tyrosine.
Molecular consequence: missense variant. On other transcripts: non-coding transcript variant (1).
Genome position (GRCh38, 1-based): chr4:148,435,806, G>T on the plus strand (C>A on the coding strand, the complement: NR3C2 is on the minus strand). VCF-style: chr4-148435806-G-T. GRCh37 (hg19) VCF-style: chr4-149356958-G-T.
Other names: c.1055C>A, p.Ser352Tyr (NM_001166104.2, NM_001354819.1); short protein forms S352Y.
Identifiers: ClinVar variation 899685 (VCV000899685.4), dbSNP rs746247810, ClinGen allele CA3100368.